The following is an entry in ClinVar:

ClinVar aggregate classification (germline): Uncertain significance (1 of 4 stars; one submission).

Submission:

Dasa
Classification: Uncertain significance. Last evaluated: 2025-10-16. Review status: criteria provided, single submitter. Criteria: DASA Assertion Criteria. Collection method: clinical testing. Allele origin: germline.
Comment: NM_014832.5(TBC1D4):c.1319C>A (p.Ala440Glu) is a missense variant that results in the substitution of alanine with glutamic acid. This variant is absent from population databases. The currently available literature and clinical evidence are not sufficient to establish a definitive association between this variant and the reported condition. Therefore, this variant is classified as a variant of uncertain significance.

NM_014832.5(TBC1D4):c.1319C>A (p.Ala440Glu)

Gene: TBC1D4 (TBC1 domain family member 4; minus strand). Cytogenetic location: 13q22.2.
Variant type: single nucleotide variant.
Coding change: c.1319C>A on transcript NM_014832.5 (MANE Select); coding-DNA position 1319, C replaced by A.
Protein change: p.Ala440Glu; replaces alanine 440 with glutamic acid.
Molecular consequence: missense variant.
Genome position (GRCh38, 1-based): chr13:75,349,259, G>T on the plus strand (C>A on the coding strand, the complement: TBC1D4 is on the minus strand). VCF-style: chr13-75349259-G-T. GRCh37 (hg19) VCF-style: chr13-75923395-G-T.
Other names: c.1319C>A, p.Ala440Glu (NM_001286658.2, NM_001286659.2); short protein forms A440E.
Identifiers: ClinVar variation 4882887 (VCV004882887.2).